The following is an entry in ClinVar:

ClinVar aggregate classification (germline): Uncertain significance. Review status: criteria provided, multiple submitters, no conflicts (2 of 4 stars). 6 submissions from 6 submitters: Uncertain significance (6). Last evaluated 2026-02-10.

Conditions:
Arrhythmogenic right ventricular dysplasia 11. Also called: Arrhythmogenic right ventricular dysplasia 11 with mild palmoplantar keratoderma and woolly hair; Arrhythmogenic Right Ventricular Dysplasia/Cardiomyopathy11; ARRHYTHMOGENIC RIGHT VENTRICULAR DYSPLASIA, FAMILIAL, 11. Identifiers: MedGen C1864850, MONDO:0012506, OMIM 610476.
Familial isolated arrhythmogenic right ventricular dysplasia. Identifiers: Orphanet 217656, MedGen C4274968, MONDO:0016342.
Cardiovascular phenotype. Identifiers: MedGen CN230736.
Cardiomyopathy (CMYO). Also called: Cardiomyopathies. Identifiers: Orphanet 167848, MedGen C0878544, MONDO:0004994, HP:0001638. Inheritance: Various modes of inheritance.

Allele frequency attached by ClinVar (database versions not stated): gnomAD exomes 0.00001; gnomAD 0.00001; TOPMed 0.00002.
gnomAD v4.1: 15 of 1,613,938 alleles (0.00093%); highest among the groups gnomAD compares: East Asian, 0.0045%; no homozygotes.

Submissions (6):

GeneDx
Classification: Uncertain significance. Last evaluated: 2026-02-10. Review status: criteria provided, single submitter. Criteria: GeneDx Variant Classification Process June 2021. Collection method: clinical testing. Allele origin: germline. Affected: yes.
Comment: Not observed at significant frequency in large population cohorts (gnomAD); In silico analysis suggests that this missense variant does not alter protein structure/function; Has not been previously published as pathogenic or benign to our knowledge

Ambry Genetics
Classification: Uncertain significance for Cardiovascular phenotype. Last evaluated: 2025-05-03. Review status: criteria provided, single submitter. Criteria: Ambry Variant Classification Scheme 2023. Collection method: clinical testing. Allele origin: germline.
Comment: The p.A753V variant (also known as c.2258C>T), located in coding exon 15 of the DSC2 gene, results from a C to T substitution at nucleotide position 2258. The alanine at codon 753 is replaced by valine, an amino acid with similar properties. This amino acid position is conserved. In addition, this alteration is predicted to be tolerated by in silico analysis. Since supporting evidence is limited at this time, the clinical significance of this alteration remains unclear.

Molecular Diagnostic Laboratory for Inherited Cardiovascular Disease, Montreal Heart Institute
Classification: Uncertain significance for Cardiovascular phenotype. Last evaluated: 2025-04-09. Review status: criteria provided, single submitter. Criteria: ACMG Guidelines, 2015. Collection method: clinical testing. Allele origin: germline. Affected: yes.
Comment: PM2;BP4

Labcorp Genetics (formerly Invitae), Labcorp
Classification: Uncertain significance for Arrhythmogenic right ventricular dysplasia 11. Last evaluated: 2024-08-01. Review status: criteria provided, single submitter. Criteria: Invitae Variant Classification Sherloc (09022015). Collection method: clinical testing. Allele origin: germline.
Comment: This sequence change replaces alanine, which is neutral and non-polar, with valine, which is neutral and non-polar, at codon 753 of the DSC2 protein (p.Ala753Val). This variant is present in population databases (no rsID available, gnomAD 0.003%). This variant has not been reported in the literature in individuals affected with DSC2-related conditions. ClinVar contains an entry for this variant (Variation ID: 536263). Advanced modeling of protein sequence and biophysical properties (such as structural, functional, and spatial information, amino acid conservation, physicochemical variation, residue mobility, and thermodynamic stability) performed at Invitae indicates that this missense variant is not expected to disrupt DSC2 protein function with a negative predictive value of 80%. In summary, the available evidence is currently insufficient to determine the role of this variant in disease. Therefore, it has been classified as a Variant of Uncertain Significance.

Color Diagnostics, LLC DBA Color Health
Classification: Uncertain significance for Cardiomyopathy. Last evaluated: 2024-03-06. Review status: criteria provided, single submitter. Criteria: ACMG Guidelines, 2015. Collection method: clinical testing. Allele origin: germline.
Comment: This missense variant replaces alanine with valine at codon 753 of the DSC2 protein. Computational prediction suggests that this variant may not impact protein structure and function (internally defined REVEL score threshold <= 0.5, PMID: 27666373). To our knowledge, functional studies have not been reported for this variant. This variant has not been reported in individuals affected with cardiovascular disorders in the literature. This variant has been identified in 3/250436 chromosomes in the general population by the Genome Aggregation Database (gnomAD). The available evidence is insufficient to determine the role of this variant in disease conclusively. Therefore, this variant is classified as a Variant of Uncertain Significance.

All of Us Research Program, National Institutes of Health
Classification: Uncertain significance for Familial isolated arrhythmogenic right ventricular dysplasia. Last evaluated: 2023-10-27. Review status: criteria provided, single submitter. Criteria: ACMG Guidelines, 2015. Collection method: clinical testing. Allele origin: germline. Inheritance: Autosomal dominant inheritance. Observed: 2 variant alleles, 2 heterozygotes.
Comment: This missense variant replaces alanine with valine at codon 753 of the DSC2 protein. Computational prediction suggests that this variant may not impact protein structure and function (internally defined REVEL score threshold <= 0.5, PMID: 27666373). To our knowledge, functional studies have not been reported for this variant. This variant has not been reported in individuals affected with cardiovascular disorders in the literature. This variant has been identified in 3/250436 chromosomes in the general population by the Genome Aggregation Database (gnomAD). The available evidence is insufficient to determine the role of this variant in disease conclusively. Therefore, this variant is classified as a Variant of Uncertain Significance.

This study involves interpretation of variants in research participants for the purpose of population health screening. Participant phenotype was not available at the time of variant classification. Additional details can be found in publication PMID: 35346344, PMCID: PMC8962531

NM_024422.6(DSC2):c.2258C>T (p.Ala753Val)

Gene: DSC2 (desmocollin 2; minus strand). Cytogenetic location: 18q12.1.
Variant type: single nucleotide variant.
Coding change: c.2258C>T on transcript NM_024422.6 (MANE Select); coding-DNA position 2258, C replaced by T.
Protein change: p.Ala753Val; replaces alanine 753 with valine.
Molecular consequence: missense variant.
Genome position (GRCh38, 1-based): chr18:31,069,144, G>A on the plus strand (C>T on the coding strand, the complement: DSC2 is on the minus strand). VCF-style: chr18-31069144-G-A. GRCh37 (hg19) VCF-style: chr18-28649110-G-A.
Other names: c.2258C>T, p.Ala753Val (NM_004949.5); short protein forms A753V.
Identifiers: ClinVar variation 536263 (VCV000536263.20), dbSNP rs1217851416, ClinGen allele CA402112135.